The following is an entry in ClinVar:

NM_013338.5(ALG5):c.743G>A (p.Arg248Gln)

Gene: ALG5 (ALG5 dolichyl-phosphate beta-glucosyltransferase; minus strand). Cytogenetic location: 13q13.3.
Variant type: single nucleotide variant.
Coding change: c.743G>A on transcript NM_013338.5 (MANE Select); coding-DNA position 743, G replaced by A.
Protein change: p.Arg248Gln; replaces arginine 248 with glutamine.
Molecular consequence: missense variant.
Genome position (GRCh38, 1-based): chr13:36,965,605, C>T on the plus strand (G>A on the coding strand, the complement: ALG5 is on the minus strand). VCF-style: chr13-36965605-C-T. GRCh37 (hg19) VCF-style: chr13-37539742-C-T.
Other names: c.653G>A, p.Arg218Gln (NM_001142364.1); short protein forms R248Q, R218Q.
Identifiers: ClinVar variation 4978152 (VCV004978152.1).

ClinVar aggregate classification (germline): Uncertain significance (1 of 4 stars; one submission).

Conditions:
ALG5-related disorder. Also called: ALG5-related condition.

gnomAD v4.1: 51 of 1,613,802 alleles (0.0032%); highest among the groups gnomAD compares: African/African-American, 0.0067%; no homozygotes.

Submission:

PreventionGenetics, part of Exact Sciences
Classification: Uncertain significance for ALG5-related condition. Last evaluated: 2025-12-16. Review status: criteria provided, single submitter. Criteria: ACMG Guidelines, 2015. Collection method: clinical testing. Allele origin: germline.
Comment: The ALG5 c.743G>A variant is predicted to result in the amino acid substitution p.Arg248Gln. To our knowledge, this variant has not been reported in the literature. This variant is reported in 0.0040% of alleles in individuals of African descent in gnomAD. At this time, the clinical significance of this variant is uncertain due to the absence of conclusive functional and genetic evidence.